The following is an entry in ClinVar:

NM_002439.5(MSH3):c.2266A>G (p.Ile756Val)

Gene: MSH3 (mutS homolog 3; plus strand). Cytogenetic location: 5q14.1.
Variant type: single nucleotide variant.
Coding change: c.2266A>G on transcript NM_002439.5 (MANE Select); coding-DNA position 2266, A replaced by G.
Protein change: p.Ile756Val; replaces isoleucine 756 with valine.
Molecular consequence: missense variant.
Genome position (GRCh38, 1-based): chr5:80,775,706, A>G. VCF-style: chr5-80775706-A-G. GRCh37 (hg19) VCF-style: chr5-80071525-A-G.
Other names: short protein forms I756V.
Identifiers: ClinVar variation 1375132 (VCV001375132.10), dbSNP rs2112890124, ClinGen allele CA360280726.

ClinVar aggregate classification (germline): Conflicting classifications of pathogenicity. Review status: criteria provided, conflicting classifications (1 of 4 stars). 2 submissions from 2 submitters: Uncertain significance (1); Likely benign (1). Last evaluated 2024-02-05.

Conditions:
Hereditary cancer-predisposing syndrome. Also called: Neoplastic Syndromes, Hereditary; Hereditary Cancer Syndrome; Tumor predisposition; Hereditary neoplastic syndrome. Identifiers: Orphanet 140162, MedGen C0027672, MeSH D009386, MONDO:0015356.

Allele frequency attached by ClinVar (database versions not stated): gnomAD exomes below 0.00001.
gnomAD v4.1: 6 of 1,558,878 alleles (0.00038%); highest among the groups gnomAD compares: South Asian, 0.0067%; 1 homozygote.

Submissions (2):

Labcorp Genetics (formerly Invitae), Labcorp
Classification: Uncertain significance. Last evaluated: 2024-02-05. Review status: criteria provided, single submitter. Criteria: Invitae Variant Classification Sherloc (09022015). Collection method: clinical testing. Allele origin: germline.
Comment: This sequence change replaces isoleucine, which is neutral and non-polar, with valine, which is neutral and non-polar, at codon 756 of the MSH3 protein (p.Ile756Val). This variant is not present in population databases (gnomAD no frequency). This variant has not been reported in the literature in individuals affected with MSH3-related conditions. ClinVar contains an entry for this variant (Variation ID: 1375132). Algorithms developed to predict the effect of missense changes on protein structure and function output the following: SIFT: "Not Available"; PolyPhen-2: "Benign"; Align-GVGD: "Not Available". The valine amino acid residue is found in multiple mammalian species, which suggests that this missense change does not adversely affect protein function. In summary, the available evidence is currently insufficient to determine the role of this variant in disease. Therefore, it has been classified as a Variant of Uncertain Significance.

Ambry Genetics
Classification: Likely benign for Hereditary cancer-predisposing syndrome. Last evaluated: 2022-05-07. Review status: criteria provided, single submitter. Criteria: Ambry Variant Classification Scheme 2023. Collection method: clinical testing. Allele origin: germline.